The following is an entry in ClinVar:

NM_000390.4(CHM):c.397G>A (p.Ala133Thr)

Genes: CHM (CHM Rab escort protein; minus strand), LOC129391306 (MPRA-validated peak7401 silencer; plus strand). Cytogenetic location: Xq21.2.
Variant type: single nucleotide variant.
Coding change: c.397G>A on transcript NM_000390.4 (MANE Select); coding-DNA position 397, G replaced by A.
Protein change: p.Ala133Thr; replaces alanine 133 with threonine.
Molecular consequence: missense variant. On other transcripts: 5 prime UTR variant (4).
Genome position (GRCh38, 1-based): chrX:85,963,970, C>T on the plus strand (G>A on the coding strand, the complement: CHM is on the minus strand). VCF-style: chrX-85963970-C-T. GRCh37 (hg19) VCF-style: chrX-85218975-C-T.
Other names: c.-48G>A (NM_001320959.1, NM_001362517.1, NM_001362518.2 and 1 more transcripts); short protein forms A133T.
Identifiers: ClinVar variation 3267051 (VCV003267051.3).

ClinVar aggregate classification (germline): Uncertain significance. Review status: criteria provided, multiple submitters, no conflicts (2 of 4 stars). 2 submissions from 2 submitters: Uncertain significance (2). Last evaluated 2024-07-29.

Conditions:
Inborn genetic diseases. Identifiers: MedGen C0950123, MeSH D030342.

gnomAD v4.1: 15 of 1,207,061 alleles (0.0012%); highest among the groups gnomAD compares: East Asian, 0.003%; no homozygotes.

Submissions (2):

Labcorp Genetics (formerly Invitae), Labcorp
Classification: Uncertain significance. Last evaluated: 2024-07-29. Review status: criteria provided, single submitter. Criteria: Invitae Variant Classification Sherloc (09022015). Collection method: clinical testing. Allele origin: germline.
Comment: This sequence change replaces alanine, which is neutral and non-polar, with threonine, which is neutral and polar, at codon 133 of the CHM protein (p.Ala133Thr). This variant is not present in population databases (gnomAD no frequency). This variant has not been reported in the literature in individuals affected with CHM-related conditions. An algorithm developed to predict the effect of missense changes on protein structure and function (PolyPhen-2) suggests that this variant is likely to be disruptive. In summary, the available evidence is currently insufficient to determine the role of this variant in disease. Therefore, it has been classified as a Variant of Uncertain Significance.

Ambry Genetics
Classification: Uncertain significance for Inborn genetic diseases. Last evaluated: 2024-04-29. Review status: criteria provided, single submitter. Criteria: Ambry Variant Classification Scheme 2023. Collection method: clinical testing. Allele origin: germline.